The following is an entry in ClinVar:

NM_001388492.1(HTT):c.3426C>T (p.Phe1142=)

Gene: HTT (huntingtin; plus strand). Cytogenetic location: 4p16.3.
Variant type: single nucleotide variant.
Coding change: c.3426C>T on transcript NM_001388492.1 (MANE Select); coding-DNA position 3426, C replaced by T.
Protein change: p.Phe1142=; no amino-acid change (phenylalanine 1142 retained).
Molecular consequence: synonymous variant.
Genome position (GRCh38, 1-based): chr4:3,148,135, C>T. VCF-style: chr4-3148135-C-T. GRCh37 (hg19) VCF-style: chr4-3149862-C-T.
Other names: c.3432C>T, p.Phe1144= (NM_002111.8).
Identifiers: ClinVar variation 1625315 (VCV001625315.36), dbSNP rs374106761, ClinGen allele CA2824141.

ClinVar aggregate classification (germline): Likely benign. Review status: criteria provided, multiple submitters, no conflicts (2 of 4 stars). 5 submissions from 5 submitters: Likely benign (5). Last evaluated 2024-11-08.

Conditions:
HTT-related disorder. Also called: HTT-related condition.

Allele frequency attached by ClinVar (database versions not stated): gnomAD 0.00042 and 0.00045; TOPMed 0.00047; ExAC 0.00058; ESP Exome Variant Server 0.00065.
gnomAD v4.1: 1,045 of 1,613,534 alleles (0.065%); highest among the groups gnomAD compares: Non-Finnish European, 0.083%; 4 homozygotes.

Submissions (5):

Blueprint Genetics
Classification: Likely benign. Last evaluated: 2024-11-08. Review status: criteria provided, single submitter. Criteria: ACMG Guidelines, 2015. Collection method: clinical testing. Allele origin: germline.

CeGaT Center for Human Genetics Tuebingen
Classification: Likely benign. Last evaluated: 2022-10-01. Review status: criteria provided, single submitter. Criteria: CeGaT Center For Human Genetics Tuebingen Variant Classification Criteria Version 2. Collection method: clinical testing. Allele origin: germline. Affected: yes. Observed: 1 variant allele.
Comment: HTT: BP4, BP7

Labcorp Genetics (formerly Invitae), Labcorp
Classification: Likely benign. Last evaluated: 2022-08-09. Review status: criteria provided, single submitter. Criteria: Invitae Variant Classification Sherloc (09022015). Collection method: clinical testing. Allele origin: germline.

PreventionGenetics, part of Exact Sciences
Classification: Likely benign for HTT-related condition. Last evaluated: 2019-07-16. Review status: criteria provided, single submitter. Criteria: ACMG Guidelines, 2015. Collection method: clinical testing. Allele origin: germline.
Comment: This variant is classified as likely benign based on ACMG/AMP sequence variant interpretation guidelines (Richards et al. 2015 PMID: 25741868, with internal and published modifications).

Breakthrough Genomics
Classification: Likely benign. Review status: criteria provided, single submitter. Criteria: ACMG Guidelines, 2015. Collection method: not provided. Allele origin: germline. Inheritance: Autosomal recessive inheritance. Affected: yes.